The following is an entry in ClinVar:

NM_015375.3(DSTYK):c.846G>A (p.Pro282=)

Gene: DSTYK (dual serine/threonine and tyrosine protein kinase; minus strand). Cytogenetic location: 1q32.1.
Variant type: single nucleotide variant.
Coding change: c.846G>A on transcript NM_015375.3 (MANE Select); coding-DNA position 846, G replaced by A.
Protein change: p.Pro282=; no amino-acid change (proline 282 retained).
Molecular consequence: synonymous variant.
Genome position (GRCh38, 1-based): chr1:205,169,641, C>T on the plus strand (G>A on the coding strand, the complement: DSTYK is on the minus strand). VCF-style: chr1-205169641-C-T. GRCh37 (hg19) VCF-style: chr1-205138769-C-T.
Other names: c.846G>A (NM_015375.2); c.846G>A, p.Pro282= (NM_199462.3).
Identifiers: ClinVar variation 2072580 (VCV002072580.29), dbSNP rs770799231, ClinGen allele CA1352947.

ClinVar aggregate classification (germline): Likely benign. Review status: criteria provided, multiple submitters, no conflicts (2 of 4 stars). 3 submissions from 3 submitters: Likely benign (3). Last evaluated 2023-11-02.

Allele frequency attached by ClinVar (database versions not stated): gnomAD 0.00001; TOPMed 0.00002; ExAC 0.00007.
gnomAD v4.1: 22 of 1,614,094 alleles (0.0014%); highest among the groups gnomAD compares: South Asian, 0.0099%; no homozygotes.

Submissions (3):

Ambry Genetics
Classification: Likely benign. Last evaluated: 2023-11-02. Review status: criteria provided, single submitter. Criteria: Ambry Variant Classification Scheme 2023. Collection method: clinical testing. Allele origin: germline.

CeGaT Center for Human Genetics Tuebingen
Classification: Likely benign. Last evaluated: 2022-07-01. Review status: criteria provided, single submitter. Criteria: CeGaT Center For Human Genetics Tuebingen Variant Classification Criteria Version 2. Collection method: clinical testing. Allele origin: germline. Affected: yes. Observed: 1 variant allele.
Comment: DSTYK: BP4, BP7

Labcorp Genetics (formerly Invitae), Labcorp
Classification: Likely benign. Last evaluated: 2022-05-23. Review status: criteria provided, single submitter. Criteria: Invitae Variant Classification Sherloc (09022015). Collection method: clinical testing. Allele origin: germline.